The following is an entry in ClinVar:

ClinVar aggregate classification (germline): Uncertain significance (1 of 4 stars; one submission).

Conditions:
NR2F2-related disorder. Also called: NR2F2-related condition.

Submission:

PreventionGenetics, part of Exact Sciences
Classification: Uncertain significance for NR2F2-related condition. Last evaluated: 2025-08-09. Review status: criteria provided, single submitter. Criteria: ACMG Guidelines, 2015. Collection method: clinical testing. Allele origin: germline.
Comment: The NR2F2 c.146C>T variant is predicted to result in the amino acid substitution p.Ala49Val. To our knowledge, this variant has not been reported in the literature or in a large population database (gnomAD), indicating this variant is rare. At this time, the clinical significance of this variant is uncertain due to the absence of conclusive functional and genetic evidence.

NM_021005.4(NR2F2):c.146C>T (p.Ala49Val)

Gene: NR2F2 (nuclear receptor subfamily 2 group F member 2; plus strand). Cytogenetic location: 15q26.2.
Variant type: single nucleotide variant.
Coding change: c.146C>T on transcript NM_021005.4 (MANE Select); coding-DNA position 146, C replaced by T.
Protein change: p.Ala49Val; replaces alanine 49 with valine.
Molecular consequence: missense variant. On other transcripts: intron variant (1).
Genome position (GRCh38, 1-based): chr15:96,332,251, C>T. VCF-style: chr15-96332251-C-T. GRCh37 (hg19) VCF-style: chr15-96875480-C-T.
Other names: c.44-1825C>T (NM_001145155.2); short protein forms A49V.
Identifiers: ClinVar variation 5002430 (VCV005002430.1).
Genomic context (GRCh38, chr15:96,332,251, plus strand): 5'-TGCCCGGCCCGCCGCCCGGCGCCCCGCACACGCCACAGACGCCCGGCCAAGGGGGCCCAG[C>T]CAGCACGCCAGCCCAGACGGCGGCCGGTGGCCAGGGCGGCCCTGGCGGCCCGGGTAGCGA-3'
Protein context (NP_066285.1, residues 39-59): TPQTPGQGGP[Ala49Val]STPAQTAAGG